The following is an entry in ClinVar:

NM_014112.5(TRPS1):c.1346G>A (p.Cys449Tyr)

Gene: TRPS1 (transcriptional repressor GATA binding 1; minus strand). Cytogenetic location: 8q23.3.
Variant type: single nucleotide variant.
Coding change: c.1346G>A on transcript NM_014112.5 (MANE Select); coding-DNA position 1346, G replaced by A.
Protein change: p.Cys449Tyr; replaces cysteine 449 with tyrosine.
Molecular consequence: missense variant.
Genome position (GRCh38, 1-based): chr8:115,604,623, C>T on the plus strand (G>A on the coding strand, the complement: TRPS1 is on the minus strand). VCF-style: chr8-115604623-C-T. GRCh37 (hg19) VCF-style: chr8-116616850-C-T.
Other names: c.1319G>A, p.Cys440Tyr (NM_001282902.3); c.1325G>A, p.Cys442Tyr (NM_001282903.3); c.1307G>A, p.Cys436Tyr (NM_001330599.2); short protein forms C436Y, C440Y, C442Y, C449Y.
Identifiers: ClinVar variation 1713654 (VCV001713654.5), dbSNP rs2536890921, ClinGen allele CA372067612.

ClinVar aggregate classification (germline): Uncertain significance (1 of 4 stars; one submission).

Conditions:
Trichorhinophalangeal syndrome, type III (TRPS3). Also called: SUGIO-KAJII SYNDROME. Identifiers: Orphanet 77258, MedGen C1860823, OMIM 190351, MONDO:0008597.
Trichorhinophalangeal dysplasia type I (TRPS1). Also called: TRICHORHINOPHALANGEAL SYNDROME, TYPE I; TRPS I. Identifiers: Orphanet 77258, MedGen C0432233, MONDO:0008596, OMIM 190350.

Allele frequency attached by ClinVar (database versions not stated): gnomAD exomes below 0.00001.
gnomAD v4.1: 2 of 1,614,052 alleles (0.00012%); highest among the groups gnomAD compares: Non-Finnish European, 0.00017%; no homozygotes.

Submission:

Labcorp Genetics (formerly Invitae), Labcorp
Classification: Uncertain significance for Trichorhinophalangeal syndrome, type III; Trichorhinophalangeal dysplasia type I. Last evaluated: 2022-07-24. Review status: criteria provided, single submitter. Criteria: Invitae Variant Classification Sherloc (09022015). Collection method: clinical testing. Allele origin: germline.
Comment: In summary, the available evidence is currently insufficient to determine the role of this variant in disease. Therefore, it has been classified as a Variant of Uncertain Significance. Algorithms developed to predict the effect of missense changes on protein structure and function are either unavailable or do not agree on the potential impact of this missense change (SIFT: "Deleterious"; PolyPhen-2: "Probably Damaging"; Align-GVGD: "Class C0"). This variant has not been reported in the literature in individuals affected with TRPS1-related conditions. This variant is not present in population databases (gnomAD no frequency). This sequence change replaces cysteine, which is neutral and slightly polar, with tyrosine, which is neutral and polar, at codon 449 of the TRPS1 protein (p.Cys449Tyr).